The following is an entry in ClinVar:

ClinVar aggregate classification (germline): Uncertain significance (1 of 4 stars; one submission).

Conditions:
Familial thoracic aortic aneurysm and aortic dissection (TAAD). Also called: Thoracic aortic aneurysms and dissections. Identifiers: Orphanet 91387, MedGen C4707243, MONDO:0019625.

Submission:

Ambry Genetics
Classification: Uncertain significance for Familial thoracic aortic aneurysm and aortic dissection. Last evaluated: 2021-07-01. Review status: criteria provided, single submitter. Criteria: Ambry Variant Classification Scheme 2023. Collection method: clinical testing. Allele origin: germline.
Comment: The p.D1860G variant (also known as c.5579A>G), located in coding exon 38 of the MYH11 gene, results from an A to G substitution at nucleotide position 5579. The aspartic acid at codon 1860 is replaced by glycine, an amino acid with similar properties. This amino acid position is conserved. In addition, this alteration is predicted to be deleterious by in silico analysis. Since supporting evidence is limited at this time, the clinical significance of this alteration remains unclear.

NM_002474.3(MYH11):c.5579A>G (p.Asp1860Gly)

Genes: MYH11 (myosin heavy chain 11; minus strand), NDE1 (nudE neurodevelopment protein 1; plus strand). Cytogenetic location: 16p13.11.
Variant type: single nucleotide variant.
Coding change: c.5579A>G on transcript NM_002474.3 (MANE Select); coding-DNA position 5579, A replaced by G.
Protein change: p.Asp1860Gly; replaces aspartic acid 1860 with glycine.
Molecular consequence: missense variant. On other transcripts: intron variant (2).
Genome position (GRCh38, 1-based): chr16:15,715,198, T>C on the plus strand (A>G on the coding strand, the complement: MYH11 is on the minus strand). VCF-style: chr16-15715198-T-C. GRCh37 (hg19) VCF-style: chr16-15809055-T-C.
Other names: c.5600A>G, p.Asp1867Gly (NM_001040113.2, NM_001040114.2); c.5579A>G, p.Asp1860Gly (NM_022844.3); c.948-8993T>C (NM_001143979.2, NM_017668.3); short protein forms D1867G, D1860G.
Identifiers: ClinVar variation 1748399 (VCV001748399.2), dbSNP rs2510049278, ClinGen allele CA394847323.
Genomic context (GRCh38, chr16:15,715,198, plus strand): 5'-GAGGGAGGCTGGGTGGCAGGGGCTACCTGCTCCTTGTACTGCTCGGCCATCTTGCGCTCG[T>C]CCTCCACCTGCAGCAAGATTTCCTTCAGCTTCTTGTCTTTCTGCTTCAGCGACTTGGTGG-3'
Protein context (NP_002465.1, residues 1850-1870): KLKEILLQVE[Asp1860Gly]ERKMAEQYKE